The following is an entry in ClinVar:

NM_000138.5(FBN1):c.6453C>T (p.Cys2151=)

Gene: FBN1 (fibrillin 1; minus strand). Cytogenetic location: 15q21.1.
Variant type: single nucleotide variant.
Coding change: c.6453C>T on transcript NM_000138.5 (MANE Select); coding-DNA position 6453, C replaced by T.
Protein change: p.Cys2151=; no amino-acid change (cysteine 2151 retained).
Molecular consequence: synonymous variant.
Genome position (GRCh38, 1-based): chr15:48,437,004, G>A on the plus strand (C>T on the coding strand, the complement: FBN1 is on the minus strand). VCF-style: chr15-48437004-G-A. GRCh37 (hg19) VCF-style: chr15-48729201-G-A.
Other names: NM_000138.5(FBN1):c.6453C>T; p.Cys2151=.
Identifiers: ClinVar variation 200193 (VCV000200193.20), dbSNP rs794728251, ClinGen allele CA016495.

ClinVar aggregate classification (germline): Pathogenic. Review status: reviewed by expert panel (3 of 4 stars). 9 submissions from 9 submitters: Pathogenic (1). 8 of the submissions do not count toward it. Last evaluated 2023-09-28.

Conditions:
Marfan Syndrome/Loeys-Dietz Syndrome/Familial Thoracic Aortic Aneurysms and Dissections. Identifiers: MedGen CN229799.
Marfan syndrome (MFS). Also called: MARFAN SYNDROME, TYPE I; FBN1-Related Marfan Syndrome; Marfan syndrome, classic; Marfan syndrome type 1; Marfan's syndrome. Identifiers: Orphanet 284963, Orphanet 558, MedGen C0024796, MONDO:0007947, OMIM 154700.
Familial thoracic aortic aneurysm and aortic dissection (TAAD). Also called: Thoracic aortic aneurysms and dissections. Identifiers: Orphanet 91387, MedGen C4707243, MONDO:0019625.

Submissions (9):

ClinGen FBN1 Variant Curation Expert Panel, ClinGen
Classification: Pathogenic for Marfan syndrome. Last evaluated: 2023-09-28. Review status: reviewed by expert panel. Criteria: Assertion Criteria VCEP FBN1 Version 1. Collection method: curation. Allele origin: germline. Inheritance: Autosomal dominant inheritance.
Comment: The NM_000138.5 c.6453C>T variant in FBN1does not result in an amino acid substitution. This variant has been reported 6 times in ClinVar: 4 times as pathogenic, 2 times as likely pathogenic, and once as variant of uncertain significance (Variation ID: 200193). The variant has been reported in the literature in at least two unrelated individuals with a clinical diagnosis of Marfan syndrome, and in at least four unrelated individuals with clinical features of Marfan syndrome (PMID 26787436, 36517271, 21907952, 32679894, 36517271, InvitaeClinVarentry) (PS4). This variant was also found to segregate with disease in at least 5 affected relatives from multiple families (PMID 21907952, internal data) (PP1_Strong). In silico prediction programs predict that this variant may impact splicing (PP3). RNA functional studies confirmed that this variant results in the creation of a cryptic donor splice site resulting in an abnormal truncated protein (PMID 21907952, 26787436, 32123317) (PS3). This variant is not present in gnomAD (PM2_sup; version 2.1.1). In summary, this variant meets criteria to be classified as pathogenic for Marfan syndrome based on the ACMG/AMP criteria applied, as specified by the ClinGen FBN1 VCEP: PS3, PS4, PP1_Strong, PM2_Sup, PP3, PP4

Women's Health and Genetics/Laboratory Corporation of America, LabCorp
Classification: Pathogenic for Marfan Syndrome/Loeys-Dietz Syndrome/Familial Thoracic Aortic Aneurysms and Dissections. Last evaluated: 2026-06-23. Review status: criteria provided, single submitter. Criteria: LabCorp Variant Classification Summary - May 2015. Collection method: clinical testing. Allele origin: germline. Not counted in ClinVar's aggregate classification.
Comment: Variant summary: FBN1 c.6453C>T alters a conserved nucleotide resulting in a synonymous change. Several computational tools predict a significant impact on normal splicing: Four predict the variant creates a 5' donor site. At least one publication reports experimental evidence that this variant affects mRNA splicing (Ogawa_2011). The variant was absent in 251026 control chromosomes. c.6453C>T has been observed in multiple heterozygous individual(s) with clinical features of Marfan Syndrome (e.g. Ogawa_2011, Stark_2020). These data indicate that the variant is likely to be associated with disease. The following publications have been ascertained in the context of this evaluation (PMID: 21907952, 32679894, 36517271). ClinVar contains an entry for this variant (Variation ID: 200193). Based on the evidence outlined above, the variant was classified as pathogenic.

Labcorp Genetics (formerly Invitae), Labcorp
Classification: Pathogenic for Marfan syndrome; Familial thoracic aortic aneurysm and aortic dissection. Last evaluated: 2026-01-23. Review status: criteria provided, single submitter. Criteria: Invitae Variant Classification Sherloc (09022015). Collection method: clinical testing. Allele origin: germline. Not counted in ClinVar's aggregate classification.
Comment: This sequence change affects codon 2151 of the FBN1 mRNA. It is a 'silent' change, meaning that it does not change the encoded amino acid sequence of the FBN1 protein. This variant is not present in population databases (gnomAD no frequency). This variant has been observed in individuals with clinical features of Marfan syndrome (PMID: 21907952, 26787436, 32679894; internal data). ClinVar contains an entry for this variant (Variation ID: 200193). Algorithms developed to predict the effect of sequence changes on RNA splicing suggest that this variant may disrupt the consensus splice site. For these reasons, this variant has been classified as Pathogenic.

GeneDx
Classification: Pathogenic. Last evaluated: 2024-09-24. Review status: criteria provided, single submitter. Criteria: GeneDx Variant Classification Process June 2021. Collection method: clinical testing. Allele origin: germline. Affected: yes. Not counted in ClinVar's aggregate classification.
Comment: Not observed at significant frequency in large population cohorts (gnomAD); RNA studies on cDNA sequenced from aortic tissue revealed alternative splicing pattern between exon 52 and 53 creating a new splice donor site resulting in abnormally shorter mRNA (PMID: 21907952); In silico analysis supports a deleterious effect on splicing; This variant is associated with the following publications: (PMID: 21907952, 32123317, 34663891, 26787436, 32679894, 36517271)

All of Us Research Program, National Institutes of Health
Classification: Pathogenic for Marfan syndrome. Last evaluated: 2024-03-05. Review status: criteria provided, single submitter. Criteria: ACMG Guidelines, 2015. Collection method: clinical testing. Allele origin: germline. Inheritance: Autosomal dominant inheritance. Observed: 1 variant allele, 1 heterozygote. Not counted in ClinVar's aggregate classification.
Comment: The c.6453C>T (p.Cys2151=) synonymous variant is located at the exon 53 of the FBN1 gene, encoding fibrillin 1. This variant has been reported in at least four individuals with clinical features of Marfan syndrome and segregated with disease in two affected relatives in one family (PMID: 21907952, 32679894, 25652356, 26787436). In-silico computational prediction tools suggest that the c.6453C>T variant likely leads to a new donor gain (SpliceAI: 0.8448) and disturb normal splicing, resulting in an aberrant protein product (PMID: 16199547). Functional studies using complementary DNA derived from aortic tissue and peripheral blood demonstrated that this variant creates a new cryptic splice donor site resulting in abnormal shorter messenger RNA with an in-frame deletion of 45 nucleotides from exon 53, named as r.6452_6496del p.(Cys2151_Asp2166delinsTyr) by the authors (PMID: 21907952, 32123317). This deletion affects multiple Cysteine residues in the calcium binding epidermal growth factor 32 domain (cbEGF32), and disulfide bridges formed between these residues are essential for protein folding (ClinGen FBN1 VCEP guidelines, PMID: 20591885). This variant is absent in the general population database (gnomAD) and classified as likely pathogenic/pathogenic by several ClinVar submitters (ClinVar ID: 200193). Therefore, the c.6453C>T (p.Cys2151=) synonymous variant in FBN1 is classified as pathogenic.

This study involves interpretation of variants in research participants for the purpose of population health screening. Participant phenotype was not available at the time of variant classification. Additional details can be found in publication PMID: 35346344, PMCID: PMC8962531

Center for Genomics, Ann and Robert H. Lurie Children's Hospital of Chicago
Classification: Likely pathogenic for Marfan syndrome. Last evaluated: 2017-08-01. Review status: criteria provided, single submitter. Criteria: ACMG Guidelines, 2015. Collection method: clinical testing. Allele origin: germline. Not counted in ClinVar's aggregate classification.
Comment: FBN1 NM_000138.4 exon 53 p.Cys2151Cys (c.6453C>T): This variant has been reported in the literature in 1 individual with Marfan syndrome, segregating with disease in 2 affected relatives (Ogawa 2011 PMID:21907952). This variant is not present in large control databases. Although this is a â€˜silentâ€™ mutation, functional studies have demonstrated that this variant may result in a splice site alteration, resulting in an abnormal protein (Ogawa 2011 PMID:21907952). In summary, data on this variant is highly suspicious for disease, but requires further evidence for pathogenicity. Therefore, this variant classified as likely pathogenic.

ARUP Laboratories, Molecular Genetics and Genomics, ARUP Laboratories
Classification: Pathogenic. Last evaluated: 2017-07-30. Review status: criteria provided, single submitter. Criteria: ARUP Molecular Germline Variant Investigation Process. Collection method: clinical testing. Allele origin: germline. Not counted in ClinVar's aggregate classification.

Clinical Genetics and Genomics, Karolinska University Hospital
Classification: Pathogenic. Last evaluated: 2016-08-18. Review status: criteria provided, single submitter. Criteria: ACMG Guidelines, 2015. Collection method: clinical testing. Allele origin: germline. Affected: yes. Observed: 4 variant alleles. Not counted in ClinVar's aggregate classification.

Center for Medical Genetics Ghent, University of Ghent
Classification: Uncertain significance for Marfan syndrome. Last evaluated: 2017-11-07. Review status: no assertion criteria provided. Collection method: clinical testing. Allele origin: germline. Affected: yes. Not counted in ClinVar's aggregate classification.

Literature cited by the submitters: PubMed 21907952 (cited by 3 submitters); PubMed 32679894 (cited by 3 submitters); PubMed 36517271 (cited by Women's Health and Genetics/Laboratory Corporation of America, LabCorp); PubMed 26787436 (cited by Labcorp Genetics (formerly Invitae), Labcorp and All of Us Research Program, National Institutes of Health); PubMed 16199547 (cited by All of Us Research Program, National Institutes of Health); PubMed 20591885 (cited by All of Us Research Program, National Institutes of Health); PubMed 25652356 (cited by All of Us Research Program, National Institutes of Health); PubMed 32123317 (cited by All of Us Research Program, National Institutes of Health).